The following is an entry in ClinVar:

NM_001190460.1(KRTAP9-1):c.453C>T (p.Pro151=)

Gene: KRTAP9-1 (keratin associated protein 9-1; plus strand). Cytogenetic location: 17q21.2.
Variant type: single nucleotide variant.
Coding change: c.453C>T on transcript NM_001190460.1 (MANE Select); coding-DNA position 453, C replaced by T.
Protein change: p.Pro151=; no amino-acid change (proline 151 retained).
Molecular consequence: synonymous variant.
Genome position (GRCh38, 1-based): chr17:41,190,339, C>T. VCF-style: chr17-41190339-C-T. GRCh37 (hg19) VCF-style: chr17-39346591-C-T.
Identifiers: ClinVar variation 2647763 (VCV002647763.24), dbSNP rs76923645, ClinGen allele CA290619341.

ClinVar aggregate classification (germline): Likely benign (1 of 4 stars; one submission).

Allele frequency attached by ClinVar (database versions not stated): gnomAD exomes 0.00001.

Submission:

CeGaT Center for Human Genetics Tuebingen
Classification: Likely benign. Last evaluated: 2025-04-01. Review status: criteria provided, single submitter. Criteria: CeGaT Center For Human Genetics Tuebingen Variant Classification Criteria Version 2. Collection method: clinical testing. Allele origin: germline. Affected: yes. Observed: 14 variant alleles.
Comment: KRTAP9-1: BP4, BP7